The following is an entry in ClinVar:

ClinVar aggregate classification (germline): Uncertain significance (1 of 4 stars; one submission).

Allele frequency attached by ClinVar (database versions not stated): gnomAD exomes 0.00001 and 0.00002; TOPMed 0.00001; ExAC 0.00002; ESP Exome Variant Server 0.00008.
gnomAD v4.1: 23 of 1,614,162 alleles (0.0014%); highest among the groups gnomAD compares: Non-Finnish European, 0.0019%; no homozygotes.

Submission:

Labcorp Genetics (formerly Invitae), Labcorp
Classification: Uncertain significance. Last evaluated: 2024-05-13. Review status: criteria provided, single submitter. Criteria: Invitae Variant Classification Sherloc (09022015). Collection method: clinical testing. Allele origin: germline.
Comment: This sequence change replaces histidine, which is basic and polar, with arginine, which is basic and polar, at codon 2468 of the MTOR protein (p.His2468Arg). This variant is present in population databases (rs376373501, gnomAD 0.002%). This variant has not been reported in the literature in individuals affected with MTOR-related conditions. ClinVar contains an entry for this variant (Variation ID: 643240). Advanced modeling of protein sequence and biophysical properties (such as structural, functional, and spatial information, amino acid conservation, physicochemical variation, residue mobility, and thermodynamic stability) performed at Invitae indicates that this missense variant is not expected to disrupt MTOR protein function with a negative predictive value of 95%. In summary, the available evidence is currently insufficient to determine the role of this variant in disease. Therefore, it has been classified as a Variant of Uncertain Significance.

NM_004958.4(MTOR):c.7403A>G (p.His2468Arg)

Gene: MTOR (mechanistic target of rapamycin kinase; minus strand). Cytogenetic location: 1p36.22.
Variant type: single nucleotide variant.
Coding change: c.7403A>G on transcript NM_004958.4 (MANE Select); coding-DNA position 7403, A replaced by G.
Protein change: p.His2468Arg; replaces histidine 2468 with arginine.
Molecular consequence: missense variant.
Genome position (GRCh38, 1-based): chr1:11,109,693, T>C on the plus strand (A>G on the coding strand, the complement: MTOR is on the minus strand). VCF-style: chr1-11109693-T-C. GRCh37 (hg19) VCF-style: chr1-11169750-T-C.
Other names: c.7403A>G (LRG_734t1); short protein forms H2468R.
Identifiers: ClinVar variation 643240 (VCV000643240.8), dbSNP rs376373501, ClinGen allele CA588837.
Genomic context (GRCh38, chr1:11,109,693, plus strand): 5'-CAGAGGCTGAACTTACTGAAAGAATGAATAGATTCTGGCACTGTGGTCCCCGTTTTCTTA[T>C]GGGCTGGCTCTCCAAGTTCCACACCGTCCAAAATTTCTATGGGAAAAGAAATCAATTAAC-3'
Protein context (NP_004949.1, residues 2458-2478): LDGVELGEPA[His2468Arg]KKTGTTVPES